The following is an entry in ClinVar:

ClinVar aggregate classification (germline): Uncertain significance (1 of 4 stars; one submission).

Conditions:
DiGeorge syndrome. Also called: THIRD AND FOURTH PHARYNGEAL POUCH SYNDROME; Catch22. Identifiers: Orphanet 567, MedGen C0012236, MONDO:0008564, OMIM 188400.

Allele frequency attached by ClinVar (database versions not stated): TOPMed 0.00001.
gnomAD v4.1: 3 of 1,413,520 alleles (0.00021%); highest among the groups gnomAD compares: Non-Finnish European, 0.00028%; no homozygotes.

Submission:

Labcorp Genetics (formerly Invitae), Labcorp
Classification: Uncertain significance for DiGeorge syndrome. Last evaluated: 2024-05-02. Review status: criteria provided, single submitter. Criteria: Invitae Variant Classification Sherloc (09022015). Collection method: clinical testing. Allele origin: germline.
Comment: This sequence change replaces proline, which is neutral and non-polar, with serine, which is neutral and polar, at codon 393 of the TBX1 protein (p.Pro393Ser). This variant is not present in population databases (gnomAD no frequency). This variant has not been reported in the literature in individuals affected with TBX1-related conditions. ClinVar contains an entry for this variant (Variation ID: 1364058). An algorithm developed to predict the effect of missense changes on protein structure and function (PolyPhen-2) suggests that this variant is likely to be tolerated. In summary, the available evidence is currently insufficient to determine the role of this variant in disease. Therefore, it has been classified as a Variant of Uncertain Significance.

NM_001379200.1(TBX1):c.1204C>T (p.Pro402Ser)

Gene: TBX1 (T-box transcription factor 1; plus strand). Cytogenetic location: 22q11.21.
Variant type: single nucleotide variant.
Coding change: c.1204C>T on transcript NM_001379200.1 (MANE Select); coding-DNA position 1204, C replaced by T.
Protein change: p.Pro402Ser; replaces proline 402 with serine.
Molecular consequence: missense variant. On other transcripts: intron variant (2).
Genome position (GRCh38, 1-based): chr22:19,766,556, C>T. VCF-style: chr22-19766556-C-T. GRCh37 (hg19) VCF-style: chr22-19754079-C-T.
Other names: c.1177C>T, p.Pro393Ser (NM_080647.1); c.1009+554C>T (NM_005992.1, NM_080646.2); short protein forms P393S, P402S.
Identifiers: ClinVar variation 1364058 (VCV001364058.8), dbSNP rs1485590152, ClinGen allele CA410684510.
Genomic context (GRCh38, chr22:19,766,556, plus strand): 5'-CTGCCCGGGGCCGGCGGCGCCGGCGGCTTAGTCCCGCTGCCCGGCGCGCCCGGAGGCCGG[C>T]CCAGTCCCCCGAACCCCGAGCTGCGCCTGGAGGCGCCCGGCGCATCGGAGCCGCTGCACC-3'
Protein context (NP_001366129.1, residues 392-412): VPLPGAPGGR[Pro402Ser]SPPNPELRLE